The following is an entry in ClinVar:

NM_005228.5(EGFR):c.2451G>T (p.Trp817Cys)

Genes: EGFR (epidermal growth factor receptor; plus strand), EGFR-AS1 (EGFR antisense RNA 1; minus strand). Cytogenetic location: 7p11.2.
Variant type: single nucleotide variant.
Coding change: c.2451G>T on transcript NM_005228.5 (MANE Select); coding-DNA position 2451, G replaced by T.
Protein change: p.Trp817Cys; replaces tryptophan 817 with cysteine.
Molecular consequence: missense variant. On other transcripts: non-coding transcript variant (1).
Genome position (GRCh38, 1-based): chr7:55,181,460, G>T. VCF-style: chr7-55181460-G-T. GRCh37 (hg19) VCF-style: chr7-55249153-G-T.
Other names: c.2316G>T, p.Trp772Cys (NM_001346897.2, NM_001346899.2); c.2451G>T, p.Trp817Cys (NM_001346898.2); c.2292G>T, p.Trp764Cys (NM_001346900.2); c.1650G>T, p.Trp550Cys (NM_001346941.2); short protein forms W550C, W772C, W817C, W764C.
Identifiers: ClinVar variation 4016774 (VCV004016774.1).

ClinVar aggregate classification (germline): Uncertain significance (1 of 4 stars; one submission).

Conditions:
Hereditary cancer-predisposing syndrome. Also called: Tumor predisposition; Hereditary neoplastic syndrome; Neoplastic Syndromes, Hereditary; Hereditary Cancer Syndrome. Identifiers: Orphanet 140162, MedGen C0027672, MeSH D009386, MONDO:0015356.

Submission:

Ambry Genetics
Classification: Uncertain significance for Hereditary cancer-predisposing syndrome. Last evaluated: 2025-05-15. Review status: criteria provided, single submitter. Criteria: Ambry Variant Classification Scheme 2023. Collection method: clinical testing. Allele origin: germline.
Comment: The p.W817C variant (also known as c.2451G>T), located in coding exon 20 of the EGFR gene, results from a G to T substitution at nucleotide position 2451. The tryptophan at codon 817 is replaced by cysteine, an amino acid with highly dissimilar properties. This amino acid position is conserved. In addition, this alteration is predicted to be deleterious by in silico analysis. Based on the available evidence, the clinical significance of this variant remains unclear.